The following is an entry in ClinVar:

ClinVar aggregate classification (germline): Pathogenic. Review status: reviewed by expert panel (3 of 4 stars). 2 submissions from 2 submitters: Pathogenic (1). 1 of the submissions does not count toward it. Last evaluated 2016-09-08.

Conditions:
Hereditary cancer-predisposing syndrome. Also called: Tumor predisposition; Hereditary neoplastic syndrome; Hereditary Cancer Syndrome; Neoplastic Syndromes, Hereditary. Identifiers: Orphanet 140162, MedGen C0027672, MeSH D009386, MONDO:0015356.
Breast-ovarian cancer, familial, susceptibility to, 1 (BROVCA1). Also called: BRCA1 Hereditary Breast and Ovarian Cancer; OVARIAN CANCER, SUSCEPTIBILITY TO. Identifiers: Orphanet 145, MedGen C2676676, MONDO:0011450, OMIM 604370. Disease mechanism: loss of function.

Submissions (2):

Evidence-based Network for the Interpretation of Germline Mutant Alleles (ENIGMA)
Classification: Pathogenic for Breast-ovarian cancer, familial, susceptibility to, 1. Last evaluated: 2016-09-08. Review status: reviewed by expert panel. Criteria: ENIGMA BRCA1/2 Classification Criteria (2015). Collection method: curation. Allele origin: germline.
Comment: Variant allele predicted to encode a truncated non-functional protein.

Ambry Genetics
Classification: Pathogenic for Hereditary cancer-predisposing syndrome. Last evaluated: 2018-08-03. Review status: criteria provided, single submitter. Criteria: Ambry Variant Classification Scheme 2023. Collection method: clinical testing. Allele origin: germline. Not counted in ClinVar's aggregate classification.
Comment: The c.2621delA pathogenic mutation, located in coding exon 9 of the BRCA1 gene, results from a deletion of one nucleotide at nucleotide position 2621, causing a translational frameshift with a predicted alternate stop codon (p.N874Ifs*19). This alteration is expected to result in loss of function by premature protein truncation or nonsense-mediated mRNA decay. As such, this alteration is interpreted as a disease-causing mutation.

NM_007294.4(BRCA1):c.2621del (p.Asn874fs)

Gene: BRCA1 (BRCA1 DNA repair associated; minus strand). Cytogenetic location: 17q21.31.
Variant type: Deletion.
Coding change: c.2621del on transcript NM_007294.4 (MANE Select); coding-DNA position 2621, one base deleted (A; older notation c.2621delA).
Protein change: p.Asn874fs; shifts the reading frame from asparagine 874.
Molecular consequence: frameshift variant. On other transcripts: intron variant (137).
Genome position (GRCh38, 1-based): chr17:43,092,910, T deleted on the plus strand (A on the coding strand, the reverse complement: BRCA1 is on the minus strand); the first of 3 consecutive T bases (chr17:43,092,910-43,092,912); deleting any one gives the same sequence. VCF-style (leftmost placement, unchanged base first): chr17-43092909-AT-A. GRCh37 (hg19) VCF-style: chr17-41244926-AT-A.
Other names: c.2621delA (NM_007294.3); c.2408del, p.Asn803fs (NM_001407571.1, NM_001407853.1, NM_001407894.1 and 9 more transcripts); c.2621del, p.Asn874fs (NM_001407581.1, NM_001407582.1, NM_001407583.1 and 30 more transcripts); c.2618del, p.Asn873fs (NM_001407587.1, NM_001407590.1, NM_001407591.1 and 22 more transcripts); c.2612del, p.Asn871fs (NM_001407646.1, NM_001407647.1); c.2498del, p.Asn833fs (NM_001407648.1, NM_001407664.1, NM_001407665.1 and 19 more transcripts); c.2495del, p.Asn832fs (NM_001407649.1, NM_001407670.1, NM_001407671.1 and 11 more transcripts); c.2543del, p.Asn848fs (NM_001407653.1, NM_001407654.1, NM_001407655.1 and 4 more transcripts); and 42 more; short protein forms N827fs, N874fs, N785fs, N786fs, N807fs, N832fs, N873fs, N746fs.
Identifiers: ClinVar variation 140993 (VCV000140993.8), dbSNP rs587781423, ClinGen allele CA001724.
Genomic context (GRCh38, chr17:43,092,909, plus strand): 5'-TTTCTTTAAGGACCCAGAGTGGGCAGAGAATGTTGCACATTCCTCTTCTGCATTTCCTGG[AT>A]TTGAAAACGGAGCAAATGACTGGCGCTTTGAAACCTTGAATGTATTCTGCAAATACTGAG-3'